The following is an entry in ClinVar:

ClinVar aggregate classification (germline): Uncertain significance (1 of 4 stars; one submission).

Conditions:
Succinate-semialdehyde dehydrogenase deficiency (SSADHD). Also called: 4-HYDROXYBUTYRIC ACIDURIA; GABA METABOLIC DEFECT; Succinic Semialdehyde Dehydrogenase Deficiency; SSADH DEFICIENCY. Identifiers: Orphanet 22, MedGen C0268631, MONDO:0010083, OMIM 271980.

Allele frequency attached by ClinVar (database versions not stated): gnomAD exomes below 0.00001; TOPMed below 0.00001; gnomAD 0.00001.
gnomAD v4.1: 6 of 1,613,800 alleles (0.00037%); highest among the groups gnomAD compares: Non-Finnish European, 0.00051%; no homozygotes.

Submission:

Labcorp Genetics (formerly Invitae), Labcorp
Classification: Uncertain significance for Succinate-semialdehyde dehydrogenase deficiency. Last evaluated: 2025-09-06. Review status: criteria provided, single submitter. Criteria: Invitae Variant Classification Sherloc (09022015). Collection method: clinical testing. Allele origin: germline.
Comment: This sequence change replaces threonine, which is neutral and polar, with alanine, which is neutral and non-polar, at codon 181 of the ALDH5A1 protein (p.Thr181Ala). This variant is present in population databases (no rsID available, gnomAD 0.002%). This variant has not been reported in the literature in individuals affected with ALDH5A1-related conditions. ClinVar contains an entry for this variant (Variation ID: 946542). Invitae Evidence Modeling of protein sequence and biophysical properties (such as structural, functional, and spatial information, amino acid conservation, physicochemical variation, residue mobility, and thermodynamic stability) indicates that this missense variant is not expected to disrupt ALDH5A1 protein function with a negative predictive value of 80%. In summary, the available evidence is currently insufficient to determine the role of this variant in disease. Therefore, it has been classified as a Variant of Uncertain Significance.

NM_001080.3(ALDH5A1):c.541A>G (p.Thr181Ala)

Gene: ALDH5A1 (aldehyde dehydrogenase 5 family member A1; plus strand). Cytogenetic location: 6p22.3.
Variant type: single nucleotide variant.
Coding change: c.541A>G on transcript NM_001080.3 (MANE Select); coding-DNA position 541, A replaced by G.
Protein change: p.Thr181Ala; replaces threonine 181 with alanine.
Molecular consequence: missense variant.
Genome position (GRCh38, 1-based): chr6:24,503,365, A>G. VCF-style: chr6-24503365-A-G. GRCh37 (hg19) VCF-style: chr6-24503593-A-G.
Other names: c.541A>G, p.Thr181Ala (NM_001368954.1, NM_170740.1); short protein forms T181A.
Identifiers: ClinVar variation 946542 (VCV000946542.8), dbSNP rs975269028, ClinGen allele CA136127791.